The following is an entry in ClinVar:

NM_006950.3(SYN1):c.1200T>G (p.Asp400Glu)

Gene: SYN1 (synapsin I; minus strand). Cytogenetic location: Xp11.3.
Variant type: single nucleotide variant.
Coding change: c.1200T>G on transcript NM_006950.3 (MANE Select); coding-DNA position 1200, T replaced by G.
Protein change: p.Asp400Glu; replaces aspartic acid 400 with glutamic acid.
Molecular consequence: missense variant.
Genome position (GRCh38, 1-based): chrX:47,575,233, A>C on the plus strand (T>G on the coding strand, the complement: SYN1 is on the minus strand). VCF-style: chrX-47575233-A-C. GRCh37 (hg19) VCF-style: chrX-47434632-A-C.
Other names: c.1200T>G, p.Asp400Glu (NM_133499.2); short protein forms D400E.
Identifiers: ClinVar variation 934135 (VCV000934135.10), dbSNP rs2057773904, ClinGen allele CA412825788.
Genomic context (GRCh38, chrX:47,575,233, plus strand): 5'-CCGGGGCAGGGCCTGAGCCATCTTGTTGACCACGAGCTCTACGATGAGCTGTTTGTCTTC[A>C]TCCTGGTGGTCACCAATGAGCGGCATGGAGGAACCCACCACCTGGGGGAAGGAAAGGATC-3'
Protein context (NP_008881.2, residues 390-410): SSMPLIGDHQ[Asp400Glu]EDKQLIVELV

ClinVar aggregate classification (germline): Uncertain significance (1 of 4 stars; one submission).

Conditions:
Epilepsy, X-linked 1, with variable learning disabilities and behavior disorders. Also called: X-linked epilepsy-learning disabilities-behavior disorders syndrome. Identifiers: Orphanet 85294, MedGen C5774177, MONDO:0010339, OMIM 300491.

Submission:

Labcorp Genetics (formerly Invitae), Labcorp
Classification: Uncertain significance for Epilepsy, X-linked 1, with variable learning disabilities and behavior disorders. Last evaluated: 2019-09-15. Review status: criteria provided, single submitter. Criteria: Invitae Variant Classification Sherloc (09022015). Collection method: clinical testing. Allele origin: germline.
Comment: In summary, the available evidence is currently insufficient to determine the role of this variant in disease. Therefore, it has been classified as a Variant of Uncertain Significance. Algorithms developed to predict the effect of missense changes on protein structure and function are either unavailable or do not agree on the potential impact of this missense change (SIFT: "Deleterious"; PolyPhen-2: "Benign"; Align-GVGD: "Class C0"). This variant has not been reported in the literature in individuals with SYN1-related conditions. This variant is not present in population databases (ExAC no frequency). This sequence change replaces aspartic acid with glutamic acid at codon 400 of the SYN1 protein (p.Asp400Glu). The aspartic acid residue is moderately conserved and there is a small physicochemical difference between aspartic acid and glutamic acid.